The following is an entry in ClinVar:

NM_000136.3(FANCC):c.1144C>G (p.Gln382Glu)

Genes: AOPEP (aminopeptidase O (putative); plus strand), FANCC (FA complementation group C; minus strand). Cytogenetic location: 9q22.32.
Variant type: single nucleotide variant.
Coding change: c.1144C>G on transcript NM_000136.3 (MANE Select); coding-DNA position 1144, C replaced by G.
Protein change: p.Gln382Glu; replaces glutamine 382 with glutamic acid.
Molecular consequence: missense variant.
Genome position (GRCh38, 1-based): chr9:95,114,639, G>C on the plus strand (C>G on the coding strand, the complement: FANCC is on the minus strand). VCF-style: chr9-95114639-G-C. GRCh37 (hg19) VCF-style: chr9-97876921-G-C.
Other names: c.1144C>G, p.Gln382Glu (NM_001243743.2, NM_001243744.2); short protein forms Q382E.
Identifiers: ClinVar variation 234807 (VCV000234807.11), dbSNP rs778968824, ClinGen allele CA5137453.

ClinVar aggregate classification (germline): Conflicting classifications of pathogenicity. Review status: criteria provided, conflicting classifications (1 of 4 stars). 5 submissions from 5 submitters: Uncertain significance (3); Likely benign (1). 1 of the submissions does not count toward it. Last evaluated 2024-05-10.

Conditions:
Hereditary cancer-predisposing syndrome. Also called: Hereditary neoplastic syndrome; Hereditary Cancer Syndrome; Neoplastic Syndromes, Hereditary; Tumor predisposition. Identifiers: Orphanet 140162, MedGen C0027672, MeSH D009386, MONDO:0015356.
Fanconi anemia complementation group C (FANCC). Also called: FANCC-Related Fanconi Anemia; FANCONI PANCYTOPENIA, TYPE 3; FACC; Fanconi anemia, group C. Identifiers: Orphanet 84, MedGen C3468041, MONDO:0009213, OMIM 227645.
Fanconi anemia (FA). Also called: Fanconi's anemia. Identifiers: Orphanet 84, MedGen C0015625, MeSH D005199, MONDO:0019391.

Allele frequency attached by ClinVar (database versions not stated): gnomAD exomes below 0.00001; ExAC 0.00001; TOPMed 0.00001; gnomAD 0.00002.
gnomAD v4.1: 9 of 1,613,794 alleles (0.00056%); highest among the groups gnomAD compares: African/African-American, 0.0013%; no homozygotes.

Submissions (5):

Fulgent Genetics
Classification: Uncertain significance for Fanconi anemia complementation group C. Last evaluated: 2024-05-10. Review status: criteria provided, single submitter. Criteria: ACMG Guidelines, 2015. Collection method: clinical testing. Allele origin: germline.

Ambry Genetics
Classification: Likely benign for Hereditary cancer-predisposing syndrome. Last evaluated: 2024-03-25. Review status: criteria provided, single submitter. Criteria: Ambry Variant Classification Scheme 2023. Collection method: clinical testing. Allele origin: germline.

Labcorp Genetics (formerly Invitae), Labcorp
Classification: Uncertain significance for Fanconi anemia. Last evaluated: 2022-09-15. Review status: criteria provided, single submitter. Criteria: Invitae Variant Classification Sherloc (09022015). Collection method: clinical testing. Allele origin: germline.
Comment: This sequence change replaces glutamine, which is neutral and polar, with glutamic acid, which is acidic and polar, at codon 382 of the FANCC protein (p.Gln382Glu). This variant is present in population databases (rs778968824, gnomAD 0.0009%). This variant has not been reported in the literature in individuals affected with FANCC-related conditions. ClinVar contains an entry for this variant (Variation ID: 234807). Advanced modeling of protein sequence and biophysical properties (such as structural, functional, and spatial information, amino acid conservation, physicochemical variation, residue mobility, and thermodynamic stability) performed at Invitae indicates that this missense variant is not expected to disrupt FANCC protein function. In summary, the available evidence is currently insufficient to determine the role of this variant in disease. Therefore, it has been classified as a Variant of Uncertain Significance.

GeneDx
Classification: Uncertain significance. Last evaluated: 2017-09-11. Review status: criteria provided, single submitter. Criteria: GeneDx Variant Classification (06012015). Collection method: clinical testing. Allele origin: germline. Affected: yes.
Comment: This variant is denoted FANCC c.1144C>G at the cDNA level, p.Gln382Glu (Q382E) at the protein level, and results in the change of a Glutamine to a Glutamic Acid (CAG>GAG). This variant has not, to our knowledge, been published in the literature as pathogenic or benign. FANCC Gln382Glu was not observed at a significant allele frequency in large population cohorts (NHLBI Exome Sequencing Project, The 1000 Genomes Consortium 2015, Lek 2016). Since Glutamine and Glutamic Acid differ in some properties, this is considered a semi-conservative amino acid substitution. FANCC Gln382Glu occurs at a position that is not conserved and is located within a region of interaction with Hsp70 (Gordon & Buchwald 2000). In silico analyses predict that this variant is unlikely to alter protein structure or function. Based on currently available evidence, it is unclear whether FANCC Gln382Glu is a pathogenic or benign variant. We consider it to be a variant of uncertain significance.

Natera, Inc.
Classification: Uncertain significance for Fanconi anemia. Last evaluated: 2018-09-03. Review status: no assertion criteria provided. Collection method: clinical testing. Allele origin: germline. Not counted in ClinVar's aggregate classification.